The following is an entry in ClinVar:

NM_001277313.2(FMN1):c.2701C>T (p.Pro901Ser)

Gene: FMN1 (formin 1; minus strand). Cytogenetic location: 15q13.3.
Variant type: single nucleotide variant.
Coding change: c.2701C>T on transcript NM_001277313.2 (MANE Select); coding-DNA position 2701, C replaced by T.
Protein change: p.Pro901Ser; replaces proline 901 with serine.
Molecular consequence: missense variant.
Genome position (GRCh38, 1-based): chr15:32,969,000, G>A on the plus strand (C>T on the coding strand, the complement: FMN1 is on the minus strand). VCF-style: chr15-32969000-G-A. GRCh37 (hg19) VCF-style: chr15-33261201-G-A.
Other names: c.2032C>T (NM_001103184.3, NM_001103184.2); c.2032C>T, p.Pro678Ser (NM_001103184.4); short protein forms P901S, P678S.
Identifiers: ClinVar variation 1377155 (VCV001377155.10), dbSNP rs765733773, ClinGen allele CA7456889.

ClinVar aggregate classification (germline): Uncertain significance. Review status: criteria provided, multiple submitters, no conflicts (2 of 4 stars). 3 submissions from 3 submitters: Uncertain significance (2). 1 of the submissions does not count toward it. Last evaluated 2025-05-05.

Conditions:
FMN1-related disorder. Also called: FMN1-related condition.

Allele frequency attached by ClinVar (database versions not stated): gnomAD exomes 0.00004; gnomAD 0.00008 and 0.00009; ExAC 0.00009.
gnomAD v4.1: 23 of 1,130,772 alleles (0.002%); highest among the groups gnomAD compares: African/African-American, 0.022%; no homozygotes.

Submissions (3):

Ambry Genetics
Classification: Uncertain significance. Last evaluated: 2025-05-05. Review status: criteria provided, single submitter. Criteria: Ambry Variant Classification Scheme 2023. Collection method: clinical testing. Allele origin: germline.

Labcorp Genetics (formerly Invitae), Labcorp
Classification: Uncertain significance. Last evaluated: 2024-11-05. Review status: criteria provided, single submitter. Criteria: Invitae Variant Classification Sherloc (09022015). Collection method: clinical testing. Allele origin: germline.
Comment: This sequence change replaces proline, which is neutral and non-polar, with serine, which is neutral and polar, at codon 678 of the FMN1 protein (p.Pro678Ser). The frequency data for this variant in the population databases is considered unreliable, as metrics indicate poor data quality at this position in the gnomAD database. This variant has not been reported in the literature in individuals affected with FMN1-related conditions. ClinVar contains an entry for this variant (Variation ID: 1377155). An algorithm developed to predict the effect of missense changes on protein structure and function outputs the following: PolyPhen-2: "Not Available". The serine amino acid residue is found in multiple mammalian species, which suggests that this missense change does not adversely affect protein function. In summary, the available evidence is currently insufficient to determine the role of this variant in disease. Therefore, it has been classified as a Variant of Uncertain Significance.

PreventionGenetics, part of Exact Sciences
Classification: Uncertain significance for FMN1-related condition. Last evaluated: 2024-09-23. Review status: no assertion criteria provided. Collection method: clinical testing. Allele origin: germline. Not counted in ClinVar's aggregate classification.
Comment: The FMN1 c.2032C>T variant is predicted to result in the amino acid substitution p.Pro678Ser. To our knowledge, this variant has not been reported in the literature. This variant is reported in 0.030% of alleles in individuals of African descent in gnomAD. At this time, the clinical significance of this variant is uncertain due to the absence of conclusive functional and genetic evidence.